The following is an entry in ClinVar:

ClinVar aggregate classification (germline): Uncertain significance (1 of 4 stars; one submission).

Conditions:
Capillary malformation-arteriovenous malformation syndrome. Also called: Capillary malformation-arteriovenous malformation. Identifiers: Orphanet 137667, MedGen C1842180, MONDO:0012016.

Submission:

Labcorp Genetics (formerly Invitae), Labcorp
Classification: Uncertain significance for Capillary malformation-arteriovenous malformation syndrome. Last evaluated: 2026-01-15. Review status: criteria provided, single submitter. Criteria: Invitae Variant Classification Sherloc (09022015). Collection method: clinical testing. Allele origin: germline.
Comment: This sequence change replaces proline, which is neutral and non-polar, with glycine, which is neutral and non-polar, at codon 981 of the RASA1 protein (p.Pro981Gly). Information on the frequency of this variant in the gnomAD database is not available, as this variant may be reported differently in the database. This variant has not been reported in the literature in individuals affected with RASA1-related conditions. An algorithm developed to predict the effect of missense changes on protein structure and function (PolyPhen-2) suggests that this variant is likely to be disruptive. In summary, the available evidence is currently insufficient to determine the role of this variant in disease. Therefore, it has been classified as a Variant of Uncertain Significance.

NM_002890.3(RASA1):c.2941_2942inv (p.Pro981Gly)

Genes: CCNH (cyclin H; minus strand), RASA1 (RAS p21 protein activator 1; plus strand). Cytogenetic location: 5q14.3.
Variant type: Inversion.
Coding change: c.2941_2942inv on transcript NM_002890.3 (MANE Select).
Protein change: p.Pro981Gly; replaces proline 981 with glycine.
Molecular consequence: missense variant. On other transcripts: intron variant (1).
Genome position: GRCh38 VCF-style: chr5-87389408-CC-GG. GRCh37 (hg19) VCF-style: chr5-86685225-CC-GG.
Other names: c.2410_2411inv, p.Pro804Gly (NM_022650.3); c.933+5635_933+5636inv (NM_001364075.2); short protein forms P981G, P804G.
Identifiers: ClinVar variation 4691114 (VCV004691114.1).